The following is an entry in ClinVar:

ClinVar aggregate classification (germline): Likely benign (0 of 4 stars; one submission).

Conditions:
CTNND2-related disorder. Also called: CTNND2-related condition.

Allele frequency attached by ClinVar (database versions not stated): gnomAD 0.00002; ExAC 0.00003; TOPMed 0.00003; gnomAD exomes 0.00010.
gnomAD v4.1: 147 of 1,589,412 alleles (0.0092%); highest among the groups gnomAD compares: Non-Finnish European, 0.011%; no homozygotes.

Submission:

PreventionGenetics, part of Exact Sciences
Classification: Likely benign for CTNND2-related condition. Last evaluated: 2019-05-24. Review status: no assertion criteria provided. Collection method: clinical testing. Allele origin: germline.
Comment: This variant is classified as likely benign based on ACMG/AMP sequence variant interpretation guidelines (Richards et al. 2015 PMID: 25741868, with internal and published modifications).

NM_001332.4(CTNND2):c.1545A>G (p.Pro515=)

Gene: CTNND2 (catenin delta 2; minus strand). Cytogenetic location: 5p15.2.
Variant type: single nucleotide variant.
Coding change: c.1545A>G on transcript NM_001332.4 (MANE Select); coding-DNA position 1545, A replaced by G.
Protein change: p.Pro515=; no amino-acid change (proline 515 retained).
Molecular consequence: synonymous variant. On other transcripts: non-coding transcript variant (1).
Genome position (GRCh38, 1-based): chr5:11,346,455, T>C on the plus strand (A>G on the coding strand, the complement: CTNND2 is on the minus strand). VCF-style: chr5-11346455-T-C. GRCh37 (hg19) VCF-style: chr5-11346567-T-C.
Other names: c.1272A>G, p.Pro424= (NM_001288715.1); c.534A>G, p.Pro178= (NM_001288716.1, NM_001364128.2); c.246A>G, p.Pro82= (NM_001288717.2).
Identifiers: ClinVar variation 3039174 (VCV003039174.2), dbSNP rs747089324, ClinGen allele CA3200838.